The following is an entry in ClinVar:

ClinVar aggregate classification (germline): Uncertain significance. Review status: criteria provided, multiple submitters, no conflicts (2 of 4 stars). 2 submissions from 2 submitters: Uncertain significance (2). Last evaluated 2023-12-27.

Conditions:
Dent disease type 1 (DENT1). Also called: NEPHROLITHIASIS 2; NEPHROLITHIASIS, HYPERCALCIURIC, X-LINKED. Identifiers: Orphanet 1652, Orphanet 93622, MedGen C1848336, MONDO:0010225, OMIM 300009.
Hypophosphatemic rickets, X-linked recessive (XLHRR). Identifiers: Orphanet 1652, Orphanet 93622, MedGen C1845168, MONDO:0010358, OMIM 300554.
Proteinuria, low molecular weight, with hypercalciuria and nephrocalcinosis. Identifiers: Orphanet 1652, Orphanet 93622, MedGen C1839874, MONDO:0010644, OMIM 308990.
X-linked recessive nephrolithiasis with renal failure (XRN). Also called: NEPHROLITHIASIS 1; NEPHROLITHIASIS, X-LINKED RECESSIVE, TYPE 1; UROLITHIASIS, X-LINKED RECESSIVE, TYPE 1. Identifiers: Orphanet 1652, Orphanet 93622, MedGen C0403720, MONDO:0010687, OMIM 310468.

Allele frequency attached by ClinVar (database versions not stated): gnomAD 0.00001; TOPMed 0.00002.
gnomAD v4.1: 1 of 1,209,143 alleles (0.000083%); highest among the groups gnomAD compares: African/African-American, 0.0018%; no homozygotes.

Submissions (2):

Fulgent Genetics
Classification: Uncertain significance for Dent disease type 1; Hypophosphatemic rickets, X-linked recessive; Proteinuria, low molecular weight, with hypercalciuria and nephrocalcinosis; X-linked recessive nephrolithiasis with renal failure. Last evaluated: 2023-12-27. Review status: criteria provided, single submitter. Criteria: ACMG Guidelines, 2015. Collection method: clinical testing. Allele origin: germline.

Labcorp Genetics (formerly Invitae), Labcorp
Classification: Uncertain significance. Last evaluated: 2022-10-14. Review status: criteria provided, single submitter. Criteria: Invitae Variant Classification Sherloc (09022015). Collection method: clinical testing. Allele origin: germline.
Comment: This sequence change replaces serine, which is neutral and polar, with glycine, which is neutral and non-polar, at codon 426 of the CLCN5 protein (p.Ser426Gly). This variant is not present in population databases (gnomAD no frequency). This variant has not been reported in the literature in individuals affected with CLCN5-related conditions. Algorithms developed to predict the effect of missense changes on protein structure and function (SIFT, PolyPhen-2, Align-GVGD) all suggest that this variant is likely to be tolerated. In summary, the available evidence is currently insufficient to determine the role of this variant in disease. Therefore, it has been classified as a Variant of Uncertain Significance.

NM_001127898.4(CLCN5):c.1486A>G (p.Ser496Gly)

Gene: CLCN5 (Cl-/H+ antiporter 5; plus strand). Cytogenetic location: Xp11.23.
Variant type: single nucleotide variant.
Coding change: c.1486A>G on transcript NM_001127898.4 (MANE Select); coding-DNA position 1486, A replaced by G.
Protein change: p.Ser496Gly; replaces serine 496 with glycine.
Molecular consequence: missense variant.
Genome position (GRCh38, 1-based): chrX:50,086,799, A>G. VCF-style: chrX-50086799-A-G. GRCh37 (hg19) VCF-style: chrX-49851456-A-G.
Other names: c.1276A>G, p.Ser426Gly (NM_000084.5); c.1486A>G, p.Ser496Gly (NM_001127899.4); c.1336A>G, p.Ser446Gly (NM_001282163.2); short protein forms S426G, S446G, S496G.
Identifiers: ClinVar variation 2006544 (VCV002006544.5), dbSNP rs1249181679, ClinGen allele CA413186352.
Genomic context (GRCh38, chrX:50,086,799, plus strand): 5'-CGTTTCAACACAAGCAAAGGGGGTGAACTGCCTGACAGACCGGCTGGCGTGGGAGTCTAC[A>G]GTGCAATGTGGCAGCTGGCTTTAACACTCATACTGAAAATTGTCATTACTATATTCACCT-3'
Protein context (NP_001121370.1, residues 486-506): PDRPAGVGVY[Ser496Gly]AMWQLALTLI